The following is an entry in ClinVar:

NM_021619.3(PRDM12):c.600_606delinsCA (p.Trp201fs)

Gene: PRDM12 (PR/SET domain 12; plus strand). Cytogenetic location: 9q34.12.
Variant type: Indel.
Coding change: c.600_606delinsCA on transcript NM_021619.3 (MANE Select); coding-DNA positions 600 to 606, GTGGTAC replaced by CA.
Protein change: p.Trp201fs; shifts the reading frame from tryptophan 201.
Molecular consequence: frameshift variant.
Genome position (GRCh38, 1-based): chr9:130,678,558-130,678,564, GTGGTAC replaced by CA. VCF-style: chr9-130678558-GTGGTAC-CA. GRCh37 (hg19) VCF-style: chr9-133553945-GTGGTAC-CA.
Other names: short protein forms W201fs.
Identifiers: ClinVar variation 451909 (VCV000451909.2), dbSNP rs1554752857, ClinGen allele CA658657910.

ClinVar aggregate classification (germline): Likely pathogenic (1 of 4 stars; one submission).

Submission:

GeneDx
Classification: Likely pathogenic. Last evaluated: 2017-08-31. Review status: criteria provided, single submitter. Criteria: GeneDx Variant Classification (06012015). Collection method: clinical testing. Allele origin: germline. Affected: yes.
Comment: The c.600_606delGTGGTACinsCA variant in the PRDM12 gene has not been reported previously as a pathogenic variant nor as a benign variant, to our knowledge. The c.600_606delGTGGTACinsCA variant causes a frameshift starting with codon Tryptophan 201, changes this amino acid to an Arginine residue, and creates a premature Stop codon at position 26 of the new reading frame, denoted p.Trp201ArgfsX26. This variant is predicted to cause loss of normal protein function through protein truncation as the last 167 amino acids of the protein are lost and replaced with 25 incorrect amino acids. The c.600_606delGTGGTACinsCA variant is not observed in large population cohorts (Lek et al., 2016; 1000 Genomes Consortium et al., 2015; Exome Variant Server). We interpret c.600_606delGTGGTACinsCA as a likely pathogenic variant.